The following is an entry in ClinVar:

NM_001263.4(CDS1):c.-8A>G

Gene: CDS1 (CDP-diacylglycerol synthase 1; plus strand). Cytogenetic location: 4q21.23.
Variant type: single nucleotide variant.
Coding change: c.-8A>G on transcript NM_001263.4 (MANE Select); 8 bases upstream of the start codon, A replaced by G.
Molecular consequence: 5 prime UTR variant.
Genome position (GRCh38, 1-based): chr4:84,583,394, A>G. VCF-style: chr4-84583394-A-G. GRCh37 (hg19) VCF-style: chr4-85504547-A-G.
Identifiers: ClinVar variation 3039410 (VCV003039410.2), dbSNP rs568659831, ClinGen allele CA2991471.

ClinVar aggregate classification (germline): Likely benign (0 of 4 stars; one submission).

Conditions:
CDS1-related disorder. Also called: CDS1-related condition.

Allele frequency attached by ClinVar (database versions not stated): gnomAD exomes 0.00002; ExAC 0.00004; gnomAD 0.00010; TOPMed 0.00011; 1000 Genomes Project 30x 0.00016.

Submission:

PreventionGenetics, part of Exact Sciences
Classification: Likely benign for CDS1-related condition. Last evaluated: 2019-05-20. Review status: no assertion criteria provided. Collection method: clinical testing. Allele origin: germline.
Comment: This variant is classified as likely benign based on ACMG/AMP sequence variant interpretation guidelines (Richards et al. 2015 PMID: 25741868, with internal and published modifications).